The following is an entry in ClinVar:

ClinVar aggregate classification (germline): Uncertain significance (1 of 4 stars; one submission).

Conditions:
Inborn genetic diseases. Identifiers: MedGen C0950123, MeSH D030342.

Submission:

Ambry Genetics
Classification: Uncertain significance for Inborn genetic diseases. Last evaluated: 2026-01-14. Review status: criteria provided, single submitter. Criteria: Ambry Variant Classification Scheme 2023. Collection method: clinical testing. Allele origin: germline.
Comment: The p.P249R variant (also known as c.746C>G), located in coding exon 1 of the CEBPA gene, results from a C to G substitution at nucleotide position 746. The proline at codon 249 is replaced by arginine, an amino acid with dissimilar properties. This amino acid position is conserved. In addition, this alteration is predicted to be tolerated by in silico analysis. Based on the available evidence, the clinical significance of this variant remains unclear.

NM_004364.5(CEBPA):c.746C>G (p.Pro249Arg)

Gene: CEBPA (CCAAT enhancer binding protein alpha; minus strand). Cytogenetic location: 19q13.11.
Variant type: single nucleotide variant.
Coding change: c.746C>G on transcript NM_004364.5 (MANE Select); coding-DNA position 746, C replaced by G.
Protein change: p.Pro249Arg; replaces proline 249 with arginine.
Molecular consequence: missense variant.
Genome position (GRCh38, 1-based): chr19:33,301,669, G>C on the plus strand (C>G on the coding strand, the complement: CEBPA is on the minus strand). VCF-style: chr19-33301669-G-C. GRCh37 (hg19) VCF-style: chr19-33792575-G-C.
Other names: c.389C>G, p.Pro130Arg (NM_001285829.2); c.851C>G, p.Pro284Arg (NM_001287424.2); c.704C>G, p.Pro235Arg (NM_001287435.2); short protein forms P130R, P235R, P284R, P249R.
Identifiers: ClinVar variation 2279753 (VCV002279753.3), dbSNP rs1446673156, ClinGen allele CA405274298.